The following is an entry in ClinVar:

NM_014000.3(VCL):c.437C>T (p.Thr146Ile)

Gene: VCL (vinculin; plus strand). Cytogenetic location: 10q22.2.
Variant type: single nucleotide variant.
Coding change: c.437C>T on transcript NM_014000.3 (MANE Select); coding-DNA position 437, C replaced by T.
Protein change: p.Thr146Ile; replaces threonine 146 with isoleucine.
Molecular consequence: missense variant.
Genome position (GRCh38, 1-based): chr10:74,071,021, C>T. VCF-style: chr10-74071021-C-T. GRCh37 (hg19) VCF-style: chr10-75830779-C-T.
Other names: c.437C>T, p.Thr146Ile (NM_003373.4); short protein forms T146I.
Identifiers: ClinVar variation 3254936 (VCV003254936.1), dbSNP rs1421034616.

ClinVar aggregate classification (germline): Uncertain significance (1 of 4 stars; one submission).

Conditions:
Dilated cardiomyopathy 1W (CMD1W). Identifiers: Orphanet 154, MedGen C1969639, MONDO:0012667, OMIM 611407.

Allele frequency attached by ClinVar (database versions not stated): gnomAD 0.00001; TOPMed 0.00001.
gnomAD v4.1: 7 of 1,614,050 alleles (0.00043%); highest among the groups gnomAD compares: South Asian, 0.0044%; no homozygotes.

Submission:

Victorian Clinical Genetics Services, Murdoch Childrens Research Institute
Classification: Uncertain significance for Dilated cardiomyopathy 1W. Last evaluated: 2023-07-17. Review status: criteria provided, single submitter. Criteria: ACMG Guidelines, 2015. Collection method: clinical testing. Allele origin: germline. Inheritance: Autosomal dominant inheritance. Affected: yes.
Comment: Based on the classification scheme VCGS_Germline_v1.3.4, this variant is classified as VUS-3B. Following criteria are met: 0105 - The mechanism of disease for this gene is not clearly established. (I) 0107 - This gene is associated with autosomal dominant disease. (I) 0200 - Variant is predicted to result in a missense amino acid change from threonine to isoleucine. (I) 0251 - This variant is heterozygous. (I) 0302 - Variant is present in gnomAD <0.001 for a dominant condition (v2+v3: 4 heterozygotes, 0 homozygotes). (SP) 0502 - Missense variant with conflicting in silico predictions and uninformative conservation. (I) 0600 - Variant is located in the annotated Vinculin domain (DECIPHER). (I) 0710 - Another missense variant comparable to the one identified in this case has inconclusive previous evidence for pathogenicity. p.(Thr146Lys) has been classified as a VUS by a diagnostic laboratory in ClinVar. (I) 0807 - This variant has no previous evidence of pathogenicity. (I) 0905 - No published segregation evidence has been identified for this variant. (I) 1007 - No published functional evidence has been identified for this variant. (I) 1208 - Inheritance information for this variant is not currently available in this individual. (I) Legend: (SP) - Supporting pathogenic, (I) - Information, (SB) - Supporting benign